The following is an entry in ClinVar:

NM_001370259.2(MEN1):c.1150G>T (p.Glu384Ter)

Gene: MEN1 (menin 1; minus strand). Cytogenetic location: 11q13.1.
Variant type: single nucleotide variant.
Coding change: c.1150G>T on transcript NM_001370259.2 (MANE Select); coding-DNA position 1150, G replaced by T.
Protein change: p.Glu384Ter; replaces glutamic acid 384 with a stop codon.
Molecular consequence: nonsense. On other transcripts: non-coding transcript variant (4).
Genome position (GRCh38, 1-based): chr11:64,805,670, C>A on the plus strand (G>T on the coding strand, the complement: MEN1 is on the minus strand). VCF-style: chr11-64805670-C-A. GRCh37 (hg19) VCF-style: chr11-64573142-C-A.
Other names: c.1045G>T, p.Glu349Ter (NM_001370263.2, NM_001407148.1, NM_001407149.1 and 1 more transcripts); c.1276G>T, p.Glu426Ter (NM_001407142.1, NM_001407143.1, NM_001407144.1 and 1 more transcripts); c.1165G>T, p.Glu389Ter (NM_001407145.1, NM_130800.3, NM_130801.3 and 4 more transcripts); c.1150G>T, p.Glu384Ter (NM_001407146.1, NM_001407147.1, NM_001407152.1 and 3 more transcripts); c.1291G>T, p.Glu431Ter (NM_001407150.1); c.1171G>T, p.Glu391Ter (NM_001407151.1); short protein forms E389*, E431*, E426*, E349*, E384*, E391*.
Identifiers: ClinVar variation 2735649 (VCV002735649.3), dbSNP rs2136109022, ClinGen allele CA381182254.

ClinVar aggregate classification (germline): Pathogenic (1 of 4 stars; one submission).

Conditions:
Multiple endocrine neoplasia, type 1 (MEN1). Also called: Endocrine adenomatosis multiple; MEN 1; MEA I; MEN I; WERMER SYNDROME. Identifiers: Orphanet 652, MedGen C0025267, MeSH D018761, MONDO:0007540, OMIM 131100.

Submission:

Labcorp Genetics (formerly Invitae), Labcorp
Classification: Pathogenic for Multiple endocrine neoplasia, type 1. Last evaluated: 2023-08-19. Review status: criteria provided, single submitter. Criteria: Invitae Variant Classification Sherloc (09022015). Collection method: clinical testing. Allele origin: germline.
Comment: For these reasons, this variant has been classified as Pathogenic. Algorithms developed to predict the effect of sequence changes on RNA splicing suggest that this variant may create or strengthen a splice site. This premature translational stop signal has been observed in individual(s) with multiple endocrine neoplasia type 1 (PMID: 25309785). This variant is not present in population databases (gnomAD no frequency). This sequence change creates a premature translational stop signal (p.Glu384*) in the MEN1 gene. It is expected to result in an absent or disrupted protein product. Loss-of-function variants in MEN1 are known to be pathogenic (PMID: 12112656, 17853334).

Literature cited by the submitters: PubMed 25309785; PubMed 12112656; PubMed 17853334.